The following is an entry in ClinVar:

ClinVar aggregate classification (germline): Uncertain significance (1 of 4 stars; one submission).

Conditions:
Diets-Jongmans syndrome. Also called: INTELLECTUAL DEVELOPMENTAL DISORDER WITH DISTINCTIVE FACIAL DYSMORPHISM. Identifiers: MedGen C5394263, MONDO:0030012, OMIM 618846.

Allele frequency attached by ClinVar (database versions not stated): gnomAD exomes below 0.00001.
gnomAD v4.1: 4 of 1,614,152 alleles (0.00025%); highest among the groups gnomAD compares: Non-Finnish European, 0.00025%; no homozygotes.

Submission:

HudsonAlpha Institute for Biotechnology
Classification: Uncertain significance for Diets-Jongmans syndrome. Last evaluated: 2022-06-21. Review status: criteria provided, single submitter. Criteria: ACMG Guidelines, 2015. Collection method: research. Allele origin: unknown. Observed: 1 variant allele. Study: HudsonAlpha-AGHI-WGS.
Comment: ACMG codes:PM2_Moderate, PP3_Supporting

NM_016604.4(KDM3B):c.2753G>A (p.Arg918His)

Gene: KDM3B (lysine demethylase 3B; plus strand). Cytogenetic location: 5q31.2.
Variant type: single nucleotide variant.
Coding change: c.2753G>A on transcript NM_016604.4 (MANE Select); coding-DNA position 2753, G replaced by A.
Protein change: p.Arg918His; replaces arginine 918 with histidine.
Molecular consequence: missense variant.
Genome position (GRCh38, 1-based): chr5:138,393,294, G>A. VCF-style: chr5-138393294-G-A. GRCh37 (hg19) VCF-style: chr5-137728983-G-A.
Other names: short protein forms R918H.
Identifiers: ClinVar variation 1803742 (VCV001803742.1), dbSNP rs2480217206, ClinGen allele CA361111270.